The following is an entry in ClinVar:

ClinVar aggregate classification (germline): Benign/Likely benign. Review status: criteria provided, multiple submitters, no conflicts (2 of 4 stars). 4 submissions from 4 submitters: Benign (1); Likely benign (2). 1 of the submissions does not count toward it. Last evaluated 2026-02-03.

Conditions:
Colorectal cancer. Also called: Malignant Colorectal Neoplasm; Colorectal cancer, somatic. Identifiers: MedGen C0346629, MONDO:0005575, OMIM 114500.
Medulloblastoma (MDB). Also called: Medulloblastoma, somatic; MEDULLOBLASTOMA PREDISPOSITION SYNDROME. Identifiers: Orphanet 616, MedGen C0025149, MeSH D008527, MONDO:0007959, OMIM 155255, HP:0002885.
Exudative vitreoretinopathy 7. Identifiers: MedGen C4539767, MONDO:0033123, OMIM 617572.
Pilomatrixoma (PTR). Also called: Pilomatricoma, somatic; PILOMATRICOMA; EPITHELIOMA CALCIFICANS OF MALHERBE. Identifiers: Orphanet 91414, MedGen C0206711, MeSH D018296, MONDO:0007564, OMIM 132600, HP:0030434.
Hepatocellular carcinoma (HCC). Also called: Primary carcinoma of liver; HEPATOMA; LIVER CELL CARCINOMA. Identifiers: Orphanet 88673, MedGen C2239176, MONDO:0007256, OMIM 114550, HP:0001402.
Ovarian neoplasm. Also called: Neoplasm of ovary; Ovarian tumor; Ovarian Neoplasms. Identifiers: MedGen C0919267, MeSH D010051, MONDO:0021068, HP:0100615.
Severe intellectual disability-progressive spastic diplegia syndrome (NEDSDV). Also called: NEURODEVELOPMENTAL DISORDER WITH SPASTIC DIPLEGIA AND VISUAL DEFECTS; CTNNB1 Neurodevelopmental Disorder. Identifiers: Orphanet 404473, MedGen C3554449, MONDO:0014035, OMIM 615075.

Allele frequency attached by ClinVar (database versions not stated): gnomAD exomes 0.00202 and 0.00070; gnomAD 0.00827 and 0.00772; ESP Exome Variant Server 0.00992; 1000 Genomes Project 0.00919; 1000 Genomes Project 30x 0.00984; ExAC 0.00289; TOPMed 0.00878.
gnomAD v4.1: 2,261 of 1,612,842 alleles (0.14%); highest among the groups gnomAD compares: African/African-American, 2.6%; 40 homozygotes.

Submissions (4):

Labcorp Genetics (formerly Invitae), Labcorp
Classification: Benign. Last evaluated: 2026-02-03. Review status: criteria provided, single submitter. Criteria: Invitae Variant Classification Sherloc (09022015). Collection method: clinical testing. Allele origin: germline.

Fulgent Genetics
Classification: Likely benign for Colorectal cancer; Hepatocellular carcinoma; Pilomatrixoma; Medulloblastoma; Ovarian cancer; Severe intellectual disability-progressive spastic diplegia syndrome; Exudative vitreoretinopathy 7. Last evaluated: 2022-05-13. Review status: criteria provided, single submitter. Criteria: ACMG Guidelines, 2015. Collection method: clinical testing. Allele origin: unknown.

GeneDx
Classification: Likely benign. Last evaluated: 2021-10-04. Review status: criteria provided, single submitter. Criteria: GeneDx Variant Classification Process June 2021. Collection method: clinical testing. Allele origin: germline. Affected: yes.

Genetic Services Laboratory, University of Chicago
Classification: Likely benign for AllHighlyPenetrant. Review status: no assertion criteria provided. Collection method: clinical testing. Allele origin: germline. Inheritance: Autosomal dominant inheritance. Not counted in ClinVar's aggregate classification.
Comment: Likely benign based on allele frequency in 1000 Genomes Project or ESP global frequency and its presence in a patient with a rare or unrelated disease phenotype. NOT Sanger confirmed.

NM_001904.4(CTNNB1):c.14-4A>G

Genes: CTNNB1 (catenin beta 1; plus strand), LOC126806658 (BRD4-independent group 4 enhancer GRCh37_chr3:41265899-41267098; plus strand). Cytogenetic location: 3p22.1.
Variant type: single nucleotide variant.
Coding change: c.14-4A>G on transcript NM_001904.4 (MANE Select); 4 bases into the intron before coding-DNA position 14, A replaced by G.
Molecular consequence: intron variant.
Genome position (GRCh38, 1-based): chr3:41,224,522, A>G. VCF-style: chr3-41224522-A-G. GRCh37 (hg19) VCF-style: chr3-41266013-A-G.
Other names: c.-8-4A>G (NM_001330729.2); c.14-4A>G (NM_001098209.2, NM_001098210.2).
Identifiers: ClinVar variation 128866 (VCV000128866.20), dbSNP rs5743391, ClinGen allele CA152526.